The following is an entry in ClinVar:

NM_001367949.2(FAT3):c.4224A>T (p.Ala1408=)

Gene: FAT3 (FAT atypical cadherin 3; plus strand). Cytogenetic location: 11q14.3.
Variant type: single nucleotide variant.
Coding change: c.4224A>T on transcript NM_001367949.2 (MANE Select); coding-DNA position 4224, A replaced by T.
Protein change: p.Ala1408=; no amino-acid change (alanine 1408 retained).
Molecular consequence: synonymous variant.
Genome position (GRCh38, 1-based): chr11:92,774,069, A>T. VCF-style: chr11-92774069-A-T. GRCh37 (hg19) VCF-style: chr11-92507235-A-T.
Other names: c.4224A>T, p.Ala1408= (NM_001008781.3).
Identifiers: ClinVar variation 3049095 (VCV003049095.2), dbSNP rs115969381, ClinGen allele CA6226880.

ClinVar aggregate classification (germline): Benign (0 of 4 stars; one submission).

Conditions:
FAT3-related disorder. Also called: FAT3-related condition.

Allele frequency attached by ClinVar (database versions not stated): ExAC 0.00167; 1000 Genomes Project 0.00419; 1000 Genomes Project 30x 0.00453; gnomAD 0.00567; TOPMed 0.00635; ESP Exome Variant Server 0.00756.
gnomAD v4.1: 1,725 of 1,613,436 alleles (0.11%); highest among the groups gnomAD compares: African/African-American, 2%; 15 homozygotes.

Submission:

PreventionGenetics, part of Exact Sciences
Classification: Benign for FAT3-related condition. Last evaluated: 2019-02-18. Review status: no assertion criteria provided. Collection method: clinical testing. Allele origin: germline.
Comment: This variant is classified as benign based on ACMG/AMP sequence variant interpretation guidelines (Richards et al. 2015 PMID: 25741868, with internal and published modifications).